The following is an entry in ClinVar:

NM_001378457.1(DMXL2):c.2816A>G (p.Gln939Arg)

Gene: DMXL2 (Dmx like 2; minus strand). Cytogenetic location: 15q21.2.
Variant type: single nucleotide variant.
Coding change: c.2816A>G on transcript NM_001378457.1 (MANE Select); coding-DNA position 2816, A replaced by G.
Protein change: p.Gln939Arg; replaces glutamine 939 with arginine.
Molecular consequence: missense variant. On other transcripts: non-coding transcript variant (2), intron variant (2).
Genome position (GRCh38, 1-based): chr15:51,502,982, T>C on the plus strand (A>G on the coding strand, the complement: DMXL2 is on the minus strand). VCF-style: chr15-51502982-T-C. GRCh37 (hg19) VCF-style: chr15-51795179-T-C.
Other names: c.2816A>G, p.Gln939Arg (NM_001174116.3, NM_001378458.1, NM_001378459.1 and 4 more transcripts); c.2576A>G, p.Gln859Arg (NM_001378464.1); c.2764+4152A>G (NM_001378460.1, NM_001174117.3); short protein forms Q939R, Q859R.
Identifiers: ClinVar variation 2461946 (VCV002461946.4), dbSNP rs190836303, ClinGen allele CA392438681.

ClinVar aggregate classification (germline): Uncertain significance. Review status: criteria provided, multiple submitters, no conflicts (2 of 4 stars). 2 submissions from 2 submitters: Uncertain significance (2). Last evaluated 2025-10-22.

Conditions:
Inborn genetic diseases. Identifiers: MedGen C0950123, MeSH D030342.

Allele frequency attached by ClinVar (database versions not stated): gnomAD 0.00001; TOPMed 0.00002.
gnomAD v4.1: 2 of 1,613,898 alleles (0.00012%); highest among the groups gnomAD compares: Admixed American, 0.0033%; no homozygotes.

Submissions (2):

Labcorp Genetics (formerly Invitae), Labcorp
Classification: Uncertain significance. Last evaluated: 2025-10-22. Review status: criteria provided, single submitter. Criteria: Invitae Variant Classification Sherloc (09022015). Collection method: clinical testing. Allele origin: germline.
Comment: This sequence change replaces glutamine, which is neutral and polar, with arginine, which is basic and polar, at codon 939 of the DMXL2 protein (p.Gln939Arg). This variant is present in population databases (no rsID available, gnomAD no frequency). This variant has not been reported in the literature in individuals affected with DMXL2-related conditions. ClinVar contains an entry for this variant (Variation ID: 2461946). An algorithm developed to predict the effect of missense changes on protein structure and function (PolyPhen-2) suggests that this variant is likely to be tolerated. In summary, the available evidence is currently insufficient to determine the role of this variant in disease. Therefore, it has been classified as a Variant of Uncertain Significance.

Ambry Genetics
Classification: Uncertain significance for Inborn genetic diseases. Last evaluated: 2023-02-23. Review status: criteria provided, single submitter. Criteria: Ambry Variant Classification Scheme 2023. Collection method: clinical testing. Allele origin: germline.